The following is an entry in ClinVar:

NM_005219.5(DIAPH1):c.3614C>T (p.Ala1205Val)

Gene: DIAPH1 (diaphanous related formin 1; minus strand). Cytogenetic location: 5q31.3.
Variant type: single nucleotide variant.
Coding change: c.3614C>T on transcript NM_005219.5 (MANE Select); coding-DNA position 3614, C replaced by T.
Protein change: p.Ala1205Val; replaces alanine 1205 with valine.
Molecular consequence: missense variant.
Genome position (GRCh38, 1-based): chr5:141,524,190, G>A on the plus strand (C>T on the coding strand, the complement: DIAPH1 is on the minus strand). VCF-style: chr5-141524190-G-A. GRCh37 (hg19) VCF-style: chr5-140903757-G-A.
Other names: c.3587C>T, p.Ala1196Val (NM_001079812.3); c.3614C>T, p.Ala1205Val (NM_001314007.2); short protein forms A1196V, A1205V.
Identifiers: ClinVar variation 421551 (VCV000421551.3), dbSNP rs1064795207, ClinGen allele CA16618131.

ClinVar aggregate classification (germline): Uncertain significance. Review status: criteria provided, multiple submitters, no conflicts (2 of 4 stars). 2 submissions from 2 submitters: Uncertain significance (2). Last evaluated 2024-11-22.

Submissions (2):

Blueprint Genetics
Classification: Uncertain significance. Last evaluated: 2024-11-22. Review status: criteria provided, single submitter. Criteria: ACMG Guidelines, 2015. Collection method: clinical testing. Allele origin: germline.

GeneDx
Classification: Uncertain significance. Last evaluated: 2016-06-27. Review status: criteria provided, single submitter. Criteria: GeneDx Variant Classification (06012015). Collection method: clinical testing. Allele origin: germline. Affected: yes.
Comment: The A1205V variant in the DIAPH1 gene has not been reported previously as a pathogenic variant, nor as a benign variant, to our knowledge. The A1205V variant was not observed in approximately 6,300 individuals of European and African American ancestry in the NHLBI Exome Sequencing Project, indicating it is not a common benign variant in these populations. The A1205V variant is a conservative amino acid substitution, which is not likely to impact secondary protein structure as these residues share similar properties. This substitution occurs at a position that is conserved across species. In silico analysis predicts this variant is probably damaging to the protein structure/function. We interpret A1205V as a variant of uncertain significance.